The following is an entry in ClinVar:

ClinVar aggregate classification (germline): Uncertain significance (1 of 4 stars; one submission).

Conditions:
Essential hypertension. Identifiers: MedGen C0085580, MONDO:0001134.

Allele frequency attached by ClinVar (database versions not stated): 1000 Genomes Project 30x 0.00016; gnomAD 0.00017 and 0.00018; 1000 Genomes Project 0.00020; ESP Exome Variant Server 0.00023; TOPMed 0.00023.

Submission:

Baylor Genetics
Classification: Uncertain significance for Essential hypertension, genetic. Last evaluated: 2018-04-27. Review status: criteria provided, single submitter. Criteria: ACMG Guidelines, 2015. Collection method: clinical testing. Allele origin: unknown. Affected: yes.
Comment: This variant was determined to be of uncertain significance according to ACMG Guidelines, 2015 [PMID:25741868].

NM_000961.4(PTGIS):c.283G>A (p.Asp95Asn)

Gene: PTGIS (prostaglandin I2 synthase; minus strand). Cytogenetic location: 20q13.13.
Variant type: single nucleotide variant.
Coding change: c.283G>A on transcript NM_000961.4 (MANE Select); coding-DNA position 283, G replaced by A.
Protein change: p.Asp95Asn; replaces aspartic acid 95 with asparagine.
Molecular consequence: missense variant.
Genome position (GRCh38, 1-based): chr20:49,547,935, C>T on the plus strand (G>A on the coding strand, the complement: PTGIS is on the minus strand). VCF-style: chr20-49547935-C-T. GRCh37 (hg19) VCF-style: chr20-48164472-C-T.
Other names: short protein forms D95N.
Identifiers: ClinVar variation 1033155 (VCV001033155.1), dbSNP rs199740067, ClinGen allele CA9903696.